The following is an entry in ClinVar:

NM_006208.3(ENPP1):c.1538A>G (p.Tyr513Cys)

Gene: ENPP1 (ectonucleotide pyrophosphatase/phosphodiesterase 1; plus strand). Cytogenetic location: 6q23.2.
Variant type: single nucleotide variant.
Coding change: c.1538A>G on transcript NM_006208.3 (MANE Select); coding-DNA position 1538, A replaced by G.
Protein change: p.Tyr513Cys; replaces tyrosine 513 with cysteine.
Molecular consequence: missense variant.
Genome position (GRCh38, 1-based): chr6:131,873,023, A>G. VCF-style: chr6-131873023-A-G. GRCh37 (hg19) VCF-style: chr6-132194163-A-G.
Other names: c.1538A>G (NM_006208.2); short protein forms Y513C.
Identifiers: ClinVar variation 2136473 (VCV002136473.5), dbSNP rs1243920034, ClinGen allele CA365677057.

ClinVar aggregate classification (germline): Conflicting classifications of pathogenicity. Review status: criteria provided, conflicting classifications (1 of 4 stars). 2 submissions from 2 submitters: Pathogenic (1); Uncertain significance (1). Last evaluated 2025-02-04.

Allele frequency attached by ClinVar (database versions not stated): TOPMed below 0.00001; gnomAD 0.00001; gnomAD exomes 0.00001.
gnomAD v4.1: 11 of 1,613,700 alleles (0.00068%); highest among the groups gnomAD compares: East Asian, 0.0022%; no homozygotes.

Submissions (2):

Labcorp Genetics (formerly Invitae), Labcorp
Classification: Uncertain significance. Last evaluated: 2025-02-04. Review status: criteria provided, single submitter. Criteria: Invitae Variant Classification Sherloc (09022015). Collection method: clinical testing. Allele origin: germline.
Comment: This sequence change replaces tyrosine, which is neutral and polar, with cysteine, which is neutral and slightly polar, at codon 513 of the ENPP1 protein (p.Tyr513Cys). The frequency data for this variant in the population databases is considered unreliable, as metrics indicate poor data quality at this position in the gnomAD database. This missense change has been observed in individuals with ENPP1-related conditions (PMID: 20016754, 22229486, 33465815). ClinVar contains an entry for this variant (Variation ID: 2136473). Invitae Evidence Modeling of protein sequence and biophysical properties (such as structural, functional, and spatial information, amino acid conservation, physicochemical variation, residue mobility, and thermodynamic stability) indicates that this missense variant is expected to disrupt ENPP1 protein function with a positive predictive value of 80%. Experimental studies have shown that this missense change affects ENPP1 function (PMID: 27467858). In summary, the available evidence is currently insufficient to determine the role of this variant in disease. Therefore, it has been classified as a Variant of Uncertain Significance.

GeneDx
Classification: Pathogenic. Last evaluated: 2025-02-01. Review status: criteria provided, single submitter. Criteria: GeneDx Variant Classification Process June 2021. Collection method: clinical testing. Allele origin: germline. Affected: yes.
Comment: Published in vitro functional studies demonstrate lack of enzymatic activity, inability to generate inorganic pyrophosphate, and significantly reduced catalytic velocity (PMID: 27467858, 38806089); In silico analysis supports that this missense variant has a deleterious effect on protein structure/function; Not observed at significant frequency in large population cohorts (gnomAD); This variant is associated with the following publications: (PMID: 33465815, 22229486, Ferrero2008[Case report], 38806089, 27467858, 23041369, 33005041, 20016754, 29244957)

Literature cited by the submitters: PubMed 20016754 (cited by Labcorp Genetics (formerly Invitae), Labcorp); PubMed 22229486 (cited by Labcorp Genetics (formerly Invitae), Labcorp); PubMed 33465815 (cited by Labcorp Genetics (formerly Invitae), Labcorp); PubMed 27467858 (cited by Labcorp Genetics (formerly Invitae), Labcorp).